The following is an entry in ClinVar:

ClinVar aggregate classification (germline): Conflicting classifications of pathogenicity. Review status: criteria provided, conflicting classifications (1 of 4 stars). 5 submissions from 5 submitters: Uncertain significance (3); Likely benign (1). 1 of the submissions does not count toward it. Last evaluated 2025-08-26.

Conditions:
Inborn genetic diseases. Identifiers: MedGen C0950123, MeSH D030342.
Dyskeratosis congenita, autosomal recessive 5 (DKCB5). Identifiers: MedGen C3554656, MONDO:0014076, OMIM 615190.
Pulmonary fibrosis and/or bone marrow failure, Telomere-related, 3. Also called: PULMONARY FIBROSIS AND/OR BONE MARROW FAILURE SYNDROME, TELOMERE-RELATED, 3. Identifiers: Orphanet 2032, MedGen C4225346, MONDO:0014613, OMIM 616373.
Dyskeratosis congenita. Identifiers: Orphanet 1775, MedGen C0265965, MONDO:0015780.

Allele frequency attached by ClinVar (database versions not stated): gnomAD exomes 0.00002 and 0.00012; gnomAD 0.00005 and 0.00007; TOPMed 0.00006; ExAC 0.00011; 1000 Genomes Project 30x 0.00016; 1000 Genomes Project 0.00020.
gnomAD v4.1: 44 of 1,610,706 alleles (0.0027%); highest among the groups gnomAD compares: East Asian, 0.08%; no homozygotes.

Submissions (5):

Labcorp Genetics (formerly Invitae), Labcorp
Classification: Uncertain significance for Dyskeratosis congenita, autosomal recessive 5; Pulmonary fibrosis and/or bone marrow failure, Telomere-related, 3. Last evaluated: 2025-08-26. Review status: criteria provided, single submitter. Criteria: Invitae Variant Classification Sherloc (09022015). Collection method: clinical testing. Allele origin: germline.
Comment: This sequence change replaces glycine, which is neutral and non-polar, with arginine, which is basic and polar, at codon 770 of the RTEL1 protein (p.Gly770Arg). This variant is present in population databases (rs537754916, gnomAD 0.2%). This variant has not been reported in the literature in individuals affected with RTEL1-related conditions. ClinVar contains an entry for this variant (Variation ID: 991706). An algorithm developed to predict the effect of missense changes on protein structure and function outputs the following: PolyPhen-2: "Benign". The arginine amino acid residue is found in multiple mammalian species, which suggests that this missense change does not adversely affect protein function. In summary, the available evidence is currently insufficient to determine the role of this variant in disease. Therefore, it has been classified as a Variant of Uncertain Significance.

Ambry Genetics
Classification: Likely benign for Inborn genetic diseases. Last evaluated: 2023-10-19. Review status: criteria provided, single submitter. Criteria: Ambry Variant Classification Scheme 2023. Collection method: clinical testing. Allele origin: germline.

Sema4
Classification: Uncertain significance for Dyskeratosis congenita. Last evaluated: 2022-03-02. Review status: criteria provided, single submitter. Criteria: Sema4 Curation Guidelines. Collection method: curation. Allele origin: germline.
Comment: The RTEL1 c.2308G>A (p.G770R) variant has not been reported in the literature to our knowledge. It was observed in 32/19922 chromosomes in the East Asian population according to the Genome Aggregation Database (PMID: 32461654). This variant has been reported in ClinVar (Variation ID: 991706). In silico tools suggest the impact of the variant on protein function is benign, though these predictions have not been confirmed by functional studies. There is no indication that this variant causes disease, but the evidence is insufficient currently to prove that conclusively. Thus, the clinical significance of this variant is currently uncertain.

Center for Genomics, Ann and Robert H. Lurie Children's Hospital of Chicago
Classification: Uncertain significance for Pulmonary fibrosis and/or bone marrow failure, Telomere-related, 3; Dyskeratosis congenita, autosomal recessive 5. Review status: criteria provided, single submitter. Criteria: ACMG Guidelines, 2015. Collection method: clinical testing. Allele origin: germline.
Comment: This variant has not been reported in the literature but is present in the Genome Aggregation Database (Highest reported MAF 0.1% (32/19922). This variant is present in ClinVar (Variation ID:991706). This variant amino acid Arginine (Arg) is present in several species including multiple mammals and is not well conserved among evolutionarily distant species; this suggests that this variant may not impact the protein. Additional computational prediction tools do not suggest an impact. In summary, data on this variant is insufficient for disease classification. Therefore, the clinical significance of this variant is uncertain.

Natera, Inc.
Classification: Likely benign for Dyskeratosis congenita. Last evaluated: 2020-09-25. Review status: no assertion criteria provided. Collection method: clinical testing. Allele origin: germline. Not counted in ClinVar's aggregate classification.

NM_001283009.2(RTEL1):c.2308G>A (p.Gly770Arg)

Genes: RTEL1 (regulator of telomere elongation helicase 1; plus strand), RTEL1-TNFRSF6B (RTEL1-TNFRSF6B readthrough (NMD candidate); plus strand). Cytogenetic location: 20q13.33.
Variant type: single nucleotide variant.
Coding change: c.2308G>A on transcript NM_001283009.2 (MANE Select); coding-DNA position 2308, G replaced by A.
Protein change: p.Gly770Arg; replaces glycine 770 with arginine.
Molecular consequence: missense variant. On other transcripts: non-coding transcript variant (1).
Genome position (GRCh38, 1-based): chr20:63,690,336, G>A. VCF-style: chr20-63690336-G-A. GRCh37 (hg19) VCF-style: chr20-62321689-G-A.
Other names: c.1639G>A, p.Gly547Arg (NM_001283010.1); c.2308G>A, p.Gly770Arg (NM_016434.4); c.2380G>A, p.Gly794Arg (NM_032957.5); c.2308G>A (NM_001283009.1); c.2380G>A (NM_032957.4); short protein forms G547R, G770R, G794R.
Identifiers: ClinVar variation 991706 (VCV000991706.8), dbSNP rs537754916, ClinGen allele CA9965280.